The following is an entry in ClinVar:

ClinVar aggregate classification (germline): Conflicting classifications of pathogenicity. Review status: criteria provided, conflicting classifications (1 of 4 stars). 3 submissions from 3 submitters: Uncertain significance (1); Likely benign (2). Last evaluated 2025-09-08.

Conditions:
Inborn genetic diseases. Identifiers: MedGen C0950123, MeSH D030342.
Autosomal dominant childhood-onset proximal spinal muscular atrophy without contractures. Also called: KUGELBERG-WELANDER SYNDROME, AUTOSOMAL DOMINANT; SPINAL MUSCULAR ATROPHY, JUVENILE, PROXIMAL, AUTOSOMAL DOMINANT; Spinal muscular atrophy, lower extremity-predominant 1, AD; SPINAL MUSCULAR ATROPHY, CHILDHOOD, PROXIMAL, AUTOSOMAL DOMINANT. Identifiers: Orphanet 209341, Orphanet 363447, MedGen C5780022, MONDO:0008026, OMIM 158600.
Charcot-Marie-Tooth disease axonal type 2O. Also called: Charcot-Marie-Tooth disease, axonal, type 20; CHARCOT-MARIE-TOOTH NEUROPATHY, AXONAL, TYPE 2O; CHARCOT-MARIE-TOOTH DISEASE, AXONAL, AUTOSOMAL DOMINANT, TYPE 2O; Charcot-Marie-Tooth Neuropathy Type 2O. Identifiers: Orphanet 284232, MedGen C3280220, MONDO:0013644, OMIM 614228.
Cortical dysplasia, complex, with other brain malformations 13. Also called: Intellectual disability, autosomal dominant 13. Identifiers: MedGen C3281202, MONDO:0013805, OMIM 614563.

Allele frequency attached by ClinVar (database versions not stated): gnomAD exomes 0.00001 and 0.00002; TOPMed 0.00001; gnomAD 0.00002; 1000 Genomes Project 30x 0.00031; 1000 Genomes Project 0.00040.
gnomAD v4.1: 35 of 1,614,208 alleles (0.0022%); highest among the groups gnomAD compares: East Asian, 0.0045%; no homozygotes.

Submissions (3):

Ambry Genetics
Classification: Likely benign for Inborn genetic diseases. Last evaluated: 2025-09-08. Review status: criteria provided, single submitter. Criteria: Ambry Variant Classification Scheme 2023. Collection method: clinical testing. Allele origin: germline.

Labcorp Genetics (formerly Invitae), Labcorp
Classification: Likely benign for Charcot-Marie-Tooth disease axonal type 2O. Last evaluated: 2024-12-27. Review status: criteria provided, single submitter. Criteria: Invitae Variant Classification Sherloc (09022015). Collection method: clinical testing. Allele origin: germline.

Fulgent Genetics
Classification: Uncertain significance for Autosomal dominant childhood-onset proximal spinal muscular atrophy without contractures; Charcot-Marie-Tooth disease axonal type 2O; Cortical dysplasia, complex, with other brain malformations 13. Last evaluated: 2018-10-31. Review status: criteria provided, single submitter. Criteria: ACMG Guidelines, 2015. Collection method: clinical testing. Allele origin: unknown.

NM_001376.5(DYNC1H1):c.13414G>A (p.Gly4472Ser)

Gene: DYNC1H1 (dynein cytoplasmic 1 heavy chain 1; plus strand). Cytogenetic location: 14q32.31.
Variant type: single nucleotide variant.
Coding change: c.13414G>A on transcript NM_001376.5 (MANE Select); coding-DNA position 13414, G replaced by A.
Protein change: p.Gly4472Ser; replaces glycine 4472 with serine.
Molecular consequence: missense variant.
Genome position (GRCh38, 1-based): chr14:102,049,481, G>A. VCF-style: chr14-102049481-G-A. GRCh37 (hg19) VCF-style: chr14-102515818-G-A.
Other names: short protein forms G4472S.
Identifiers: ClinVar variation 539761 (VCV000539761.15), dbSNP rs199692678, ClinGen allele CA266989027.